The following is an entry in ClinVar:

ClinVar aggregate classification (germline): Pathogenic (1 of 4 stars; one submission).

Conditions:
Developmental and epileptic encephalopathy, 42 (DEE42A). Also called: Epileptic encephalopathy, early infantile, 42; DEVELOPMENTAL AND EPILEPTIC ENCEPHALOPATHY 42A; EPILEPTIC ENCEPHALOPATHY, EARLY INFANTILE, 42A. Identifiers: MedGen C4310716, MONDO:0014917, OMIM 617106.
Episodic ataxia type 2 (EA2). Also called: CEREBELLAR ATAXIA, PAROXYSMAL, ACETAZOLAMIDE-RESPONSIVE; CEREBELLOPATHY, HEREDITARY PAROXYSMAL; EPISODIC ATAXIA, NYSTAGMUS-ASSOCIATED; ATAXIA, EPISODIC, WITH NYSTAGMUS; ATAXIA, FAMILIAL PAROXYSMAL; ACETAZOLAMIDE-RESPONSIVE HEREDITARY PAROXYSMAL CEREBELLAR ATAXIA. Identifiers: Orphanet 97, MedGen C1720416, MONDO:0007163, OMIM 108500.

Submission:

Labcorp Genetics (formerly Invitae), Labcorp
Classification: Pathogenic for Developmental and epileptic encephalopathy, 42; Episodic ataxia type 2. Last evaluated: 2018-08-02. Review status: criteria provided, single submitter. Criteria: Invitae Variant Classification Sherloc (09022015). Collection method: clinical testing. Allele origin: germline.
Comment: This sequence change creates a premature translational stop signal (p.Tyr675*) in the CACNA1A gene. It is expected to result in an absent or disrupted protein product. This variant is not present in population databases (ExAC no frequency). This variant has not been reported in the literature in individuals with CACNA1A-related disease. Algorithms developed to predict the effect of sequence changes on RNA splicing suggest that this variant may create or strengthen a splice site, but this prediction has not been confirmed by published transcriptional studies. Loss-of-function variants in CACNA1A are known to be pathogenic (PMID: 10371528, 19486177, 25735478, 27250579). For these reasons, this variant has been classified as Pathogenic.

Literature cited by the submitters: PubMed 10371528; PubMed 19486177; PubMed 25735478; PubMed 27250579.

NM_001127222.2(CACNA1A):c.2022C>A (p.Tyr674Ter)

Gene: CACNA1A (calcium voltage-gated channel subunit alpha1 A; minus strand). Cytogenetic location: 19p13.13.
Variant type: single nucleotide variant.
Coding change: c.2022C>A on transcript NM_001127222.2 (MANE Select); coding-DNA position 2022, C replaced by A.
Protein change: p.Tyr674Ter; replaces tyrosine 674 with a stop codon.
Molecular consequence: nonsense.
Genome position (GRCh38, 1-based): chr19:13,303,849, G>T on the plus strand (C>A on the coding strand, the complement: CACNA1A is on the minus strand). VCF-style: chr19-13303849-G-T. GRCh37 (hg19) VCF-style: chr19-13414663-G-T.
Other names: c.2025C>A, p.Tyr675Ter (NM_000068.4, NM_001127221.2, NM_001174080.2 and 1 more transcripts); short protein forms Y674*, Y675*.
Identifiers: ClinVar variation 642562 (VCV000642562.7), dbSNP rs940460024, ClinGen allele CA404344434.